The following is an entry in ClinVar:

ClinVar aggregate classification (germline): Likely benign (1 of 4 stars; one submission).

Submission:

CeGaT Center for Human Genetics Tuebingen
Classification: Likely benign. Last evaluated: 2023-05-01. Review status: criteria provided, single submitter. Criteria: CeGaT Center For Human Genetics Tuebingen Variant Classification Criteria Version 2. Collection method: clinical testing. Allele origin: germline. Affected: yes. Observed: 1 variant allele.
Comment: TTN: PM2:Supporting, BP4, BP7

NM_001267550.2(TTN):c.54810A>C (p.Ile18270=)

Genes: TTN (titin; minus strand), TTN-AS1 (TTN antisense RNA 1; plus strand). Cytogenetic location: 2q31.2.
Variant type: single nucleotide variant.
Coding change: c.54810A>C on transcript NM_001267550.2 (MANE Select); coding-DNA position 54810, A replaced by C.
Protein change: p.Ile18270=; no amino-acid change (isoleucine 18270 retained).
Molecular consequence: synonymous variant.
Genome position (GRCh38, 1-based): chr2:178,603,877, T>G on the plus strand (A>C on the coding strand, the complement: TTN is on the minus strand). VCF-style: chr2-178603877-T-G. GRCh37 (hg19) VCF-style: chr2-179468604-T-G.
Other names: c.49887A>C, p.Ile16629= (NM_001256850.1); c.27615A>C, p.Ile9205= (NM_003319.4); c.47106A>C, p.Ile15702= (NM_133378.4); c.27990A>C, p.Ile9330= (NM_133432.3); c.28191A>C, p.Ile9397= (NM_133437.4).
Identifiers: ClinVar variation 2651630 (VCV002651630.24), dbSNP rs55809450, ClinGen allele CA430101843.